The following is an entry in ClinVar:

NM_000719.7(CACNA1C):c.5143C>A (p.Arg1715=)

Genes: CACNA1C (calcium voltage-gated channel subunit alpha1 C; plus strand), CACNA1C-AS1 (CACNA1C antisense RNA 1; minus strand). Cytogenetic location: 12p13.33.
Variant type: single nucleotide variant.
Coding change: c.5143C>A on transcript NM_000719.7 (MANE Select); coding-DNA position 5143, C replaced by A.
Protein change: p.Arg1715=; no amino-acid change (arginine 1715 retained).
Molecular consequence: synonymous variant.
Genome position (GRCh38, 1-based): chr12:2,679,495, C>A. VCF-style: chr12-2679495-C-A. GRCh37 (hg19) VCF-style: chr12-2788661-C-A.
Other names: c.5287C>A, p.Arg1763= (NM_001129827.2, NM_199460.4); c.5266C>A, p.Arg1756= (NM_001129829.2); c.5143C>A, p.Arg1715= (NM_001129830.3, NM_001129840.2, NM_001129841.2 and 4 more transcripts); c.5227C>A, p.Arg1743= (NM_001129831.2); c.5203C>A, p.Arg1735= (NM_001129832.2); c.5200C>A, p.Arg1734= (NM_001129833.2, NM_001129834.2, NM_001129835.2); c.5194C>A, p.Arg1732= (NM_001129836.2); c.5167C>A, p.Arg1723= (NM_001129837.2, NM_001129838.2); and 3 more.
Identifiers: ClinVar variation 456976 (VCV000456976.16), dbSNP rs373996684, ClinGen allele CA6389717.

ClinVar aggregate classification (germline): Likely benign. Review status: criteria provided, multiple submitters, no conflicts (2 of 4 stars). 4 submissions from 4 submitters: Likely benign (4). Last evaluated 2026-04-02.

Conditions:
Cardiovascular phenotype. Identifiers: MedGen CN230736.
CACNA1C-related disorder. Also called: CACNA1C-related disorders; CACNA1C-related condition. Identifiers: MedGen CN381092, MONDO:0700321.
Long QT syndrome (LQTS). Identifiers: MedGen C0023976, MeSH D008133, MONDO:0002442. Disease mechanism: loss of function. Inheritance: Various modes of inheritance.

Allele frequency attached by ClinVar (database versions not stated): ESP Exome Variant Server 0.00032; gnomAD 0.00016; ExAC 0.00008; gnomAD exomes 0.00004; TOPMed 0.00022.
gnomAD v4.1: 50 of 1,607,122 alleles (0.0031%); highest among the groups gnomAD compares: African/African-American, 0.055%; no homozygotes.

Submissions (4):

PreventionGenetics, part of Exact Sciences
Classification: Likely benign for CACNA1C-related condition. Last evaluated: 2026-04-02. Review status: criteria provided, single submitter. Criteria: ACMG Guidelines, 2015. Collection method: clinical testing. Allele origin: germline.
Comment: This variant is classified as likely benign based on ACMG/AMP sequence variant interpretation guidelines (Richards et al. 2015 PMID: 25741868, with internal and published modifications).

Labcorp Genetics (formerly Invitae), Labcorp
Classification: Likely benign for Long QT syndrome. Last evaluated: 2026-02-03. Review status: criteria provided, single submitter. Criteria: Invitae Variant Classification Sherloc (09022015). Collection method: clinical testing. Allele origin: germline.

Women's Health and Genetics/Laboratory Corporation of America, LabCorp
Classification: Likely benign. Last evaluated: 2021-08-14. Review status: criteria provided, single submitter. Criteria: LabCorp Variant Classification Summary - May 2015. Collection method: clinical testing. Allele origin: germline.

Ambry Genetics
Classification: Likely benign for Cardiovascular phenotype. Last evaluated: 2018-06-21. Review status: criteria provided, single submitter. Criteria: Ambry Variant Classification Scheme 2023. Collection method: clinical testing. Allele origin: germline.